The following is an entry in ClinVar:

NM_001429.4(EP300):c.5941G>T (p.Glu1981Ter)

Gene: EP300 (EP300 lysine acetyltransferase; plus strand). Cytogenetic location: 22q13.2.
Variant type: single nucleotide variant.
Coding change: c.5941G>T on transcript NM_001429.4 (MANE Select); coding-DNA position 5941, G replaced by T.
Protein change: p.Glu1981Ter; replaces glutamic acid 1981 with a stop codon.
Molecular consequence: nonsense.
Genome position (GRCh38, 1-based): chr22:41,177,652, G>T. VCF-style: chr22-41177652-G-T. GRCh37 (hg19) VCF-style: chr22-41573656-G-T.
Other names: c.5863G>T, p.Glu1955Ter (NM_001362843.2); short protein forms E1955*, E1981*.
Identifiers: ClinVar variation 4854439 (VCV004854439.1).
Genomic context (GRCh38, chr22:41,177,652, plus strand): 5'-CCCATGGCCCCCATGGGTATGAACCCACCTCCCATGACCAGAGGTCCCAGTGGGCATTTG[G>T]AGCCAGGGATGGGACCGACAGGGATGCAGCAACAGCCACCCTGGAGCCAAGGAGGATTGC-3'

ClinVar aggregate classification (germline): Likely pathogenic (1 of 4 stars; one submission).

Conditions:
Rubinstein-Taybi syndrome due to EP300 haploinsufficiency. Also called: RUBINSTEIN-TAYBI SYNDROME 2; EP300-Related Rubinstein-Taybi Syndrome. Identifiers: Orphanet 353284, Orphanet 783, MedGen C3150941, MONDO:0013364, OMIM 613684.

Submission:

3billion
Classification: Likely pathogenic for Rubinstein-Taybi syndrome due to EP300 haploinsufficiency. Last evaluated: 2025-09-26. Review status: criteria provided, single submitter. Criteria: ACMG Guidelines, 2015. Collection method: clinical testing. Allele origin: germline. Affected: yes.
Comment: The variant is not observed in the gnomAD v4.1.0 dataset. Predicted Consequence/Location: Stop-gained (nonsense): predicted to result in a loss or disruption of normal protein function through protein truncation. The predicted truncated protein may be shortened by more than 10%. Therefore, this variant is classified as Likely pathogenic according to the recommendation of ACMG/AMP guideline.